The following is an entry in ClinVar:

ClinVar aggregate classification (germline): Pathogenic (1 of 4 stars; one submission).

Conditions:
Hereditary diffuse gastric adenocarcinoma (HDGC). Also called: DIFFUSE GASTRIC AND LOBULAR BREAST CANCER SYNDROME. Identifiers: Orphanet 26106, MedGen C1708349, MONDO:0007648, OMIM 137215.

Submission:

Myriad Genetics, Inc.
Classification: Pathogenic for Hereditary diffuse gastric adenocarcinoma. Last evaluated: 2023-06-12. Review status: criteria provided, single submitter. Criteria: Myriad Autosomal Dominant, Autosomal Recessive and X-Linked Classification Criteria (2023). Collection method: clinical testing. Allele origin: unknown.
Comment: This variant is considered pathogenic. This variant creates a frameshift predicted to result in premature protein truncation.

NM_004360.5(CDH1):c.737_760delinsGGGC (p.Met246fs)

Gene: CDH1 (cadherin 1; plus strand). Cytogenetic location: 16q22.1.
Variant type: Indel.
Coding change: c.737_760delinsGGGC on transcript NM_004360.5 (MANE Select); coding-DNA positions 737 to 760, TGGAGATTTTGATCACGGTAACCG replaced by GGGC.
Protein change: p.Met246fs; shifts the reading frame from methionine 246.
Molecular consequence: frameshift variant. On other transcripts: 5 prime UTR variant (2).
Genome position (GRCh38, 1-based): chr16:68,810,246-68,810,269, TGGAGATTTTGATCACGGTAACCG replaced by GGGC. VCF-style: chr16-68810246-TGGAGATTTTGATCACGGTAACCG-GGGC. GRCh37 (hg19) VCF-style: chr16-68844149-TGGAGATTTTGATCACGGTAACCG-GGGC.
Other names: c.737_760delinsGGGC, p.Met246fs (NM_001317184.2); c.-879_-856delinsGGGC (NM_001317185.2); c.-1083_-1060delinsGGGC (NM_001317186.2); short protein forms M246fs.
Identifiers: ClinVar variation 2583522 (VCV002583522.2), dbSNP rs2543918942, ClinGen allele CA2582342549.